The following is an entry in ClinVar:

NM_053025.4(MYLK):c.2854G>A (p.Asp952Asn)

Gene: MYLK (myosin light chain kinase; minus strand). Cytogenetic location: 3q21.1.
Variant type: single nucleotide variant.
Coding change: c.2854G>A on transcript NM_053025.4 (MANE Select); coding-DNA position 2854, G replaced by A.
Protein change: p.Asp952Asn; replaces aspartic acid 952 with asparagine.
Molecular consequence: missense variant.
Genome position (GRCh38, 1-based): chr3:123,700,614, C>T on the plus strand (G>A on the coding strand, the complement: MYLK is on the minus strand). VCF-style: chr3-123700614-C-T. GRCh37 (hg19) VCF-style: chr3-123419461-C-T.
Other names: c.2326G>A, p.Asp776Asn (NM_001321309.2); c.2647G>A, p.Asp883Asn (NM_053026.4, NM_053028.4); c.2854G>A, p.Asp952Asn (NM_053027.4); short protein forms D952N, D776N, D883N.
Identifiers: ClinVar variation 837324 (VCV000837324.10), dbSNP rs971096950, ClinGen allele CA354231032.

ClinVar aggregate classification (germline): Uncertain significance. Review status: criteria provided, multiple submitters, no conflicts (2 of 4 stars). 2 submissions from 2 submitters: Uncertain significance (2). Last evaluated 2023-12-19.

Conditions:
Aortic aneurysm, familial thoracic 7 (AAT7). Also called: AORTIC DISSECTION, FAMILIAL, WITH OR WITHOUT AORTIC ANEURYSM. Identifiers: MedGen C3151077, MONDO:0013418, OMIM 613780.
Familial thoracic aortic aneurysm and aortic dissection (TAAD). Also called: Thoracic aortic aneurysms and dissections. Identifiers: Orphanet 91387, MedGen C4707243, MONDO:0019625.

Allele frequency attached by ClinVar (database versions not stated): gnomAD exomes below 0.00001 and 0.00001; TOPMed 0.00002.
gnomAD v4.1: 13 of 1,613,892 alleles (0.00081%); highest among the groups gnomAD compares: East Asian, 0.0045%; no homozygotes.

Submissions (2):

Labcorp Genetics (formerly Invitae), Labcorp
Classification: Uncertain significance for Aortic aneurysm, familial thoracic 7. Last evaluated: 2023-12-19. Review status: criteria provided, single submitter. Criteria: Invitae Variant Classification Sherloc (09022015). Collection method: clinical testing. Allele origin: germline.
Comment: This sequence change replaces aspartic acid, which is acidic and polar, with asparagine, which is neutral and polar, at codon 952 of the MYLK protein (p.Asp952Asn). This variant is present in population databases (no rsID available, gnomAD 0.006%). This variant has not been reported in the literature in individuals affected with MYLK-related conditions. ClinVar contains an entry for this variant (Variation ID: 837324). Advanced modeling of protein sequence and biophysical properties (such as structural, functional, and spatial information, amino acid conservation, physicochemical variation, residue mobility, and thermodynamic stability) has been performed at Invitae for this missense variant, however the output from this modeling did not meet the statistical confidence thresholds required to predict the impact of this variant on MYLK protein function. In summary, the available evidence is currently insufficient to determine the role of this variant in disease. Therefore, it has been classified as a Variant of Uncertain Significance.

Ambry Genetics
Classification: Uncertain significance for Familial thoracic aortic aneurysm and aortic dissection. Last evaluated: 2021-06-29. Review status: criteria provided, single submitter. Criteria: Ambry Variant Classification Scheme 2023. Collection method: clinical testing. Allele origin: germline.
Comment: The p.D952N variant (also known as c.2854G>A), located in coding exon 15 of the MYLK gene, results from a G to A substitution at nucleotide position 2854. The aspartic acid at codon 952 is replaced by asparagine, an amino acid with highly similar properties. This amino acid position is well conserved in available vertebrate species; however, asparagine is the reference amino acid in other vertebrate species. In addition, this alteration is predicted to be tolerated by in silico analysis. Since supporting evidence is limited at this time, the clinical significance of this alteration remains unclear.